The following is an entry in ClinVar:

ClinVar aggregate classification (germline): Uncertain significance (1 of 4 stars; one submission).

Conditions:
Hereditary cancer-predisposing syndrome. Also called: Hereditary Cancer Syndrome; Tumor predisposition; Hereditary neoplastic syndrome; Neoplastic Syndromes, Hereditary. Identifiers: Orphanet 140162, MedGen C0027672, MeSH D009386, MONDO:0015356.
Cardiovascular phenotype. Identifiers: MedGen CN230736.

Submission:

Ambry Genetics
Classification: Uncertain significance for Cardiovascular phenotype; Hereditary cancer-predisposing syndrome. Last evaluated: 2024-11-26. Review status: criteria provided, single submitter. Criteria: Ambry Variant Classification Scheme 2023. Collection method: clinical testing. Allele origin: germline.
Comment: The p.T2101S variant (also known as c.6301A>T), located in coding exon 41 of the NF1 gene, results from an A to T substitution at nucleotide position 6301. The threonine at codon 2101 is replaced by serine, an amino acid with similar properties. This amino acid position is conserved. In addition, this alteration is predicted to be deleterious by in silico analysis. Based on the available evidence, the clinical significance of this variant remains unclear.

NM_001042492.3(NF1):c.6364A>T (p.Thr2122Ser)

Gene: NF1 (neurofibromin 1; plus strand). Cytogenetic location: 17q11.2.
Variant type: single nucleotide variant.
Coding change: c.6364A>T on transcript NM_001042492.3 (MANE Select); coding-DNA position 6364, A replaced by T.
Protein change: p.Thr2122Ser; replaces threonine 2122 with serine.
Molecular consequence: missense variant.
Genome position (GRCh38, 1-based): chr17:31,336,851, A>T. VCF-style: chr17-31336851-A-T. GRCh37 (hg19) VCF-style: chr17-29663869-A-T.
Other names: c.6301A>T, p.Thr2101Ser (NM_000267.4); short protein forms T2101S, T2122S.
Identifiers: ClinVar variation 3404942 (VCV003404942.1).